The following is an entry in ClinVar:

ClinVar aggregate classification (germline): Uncertain significance (1 of 4 stars; one submission).

Conditions:
Polyglucosan body myopathy type 2. Identifiers: Orphanet 456369, MedGen C4015452, MONDO:0014526, OMIM 616199.
Glycogen storage disease XV (GSD15). Also called: GLYCOGENIN DEFICIENCY; GSD XV. Identifiers: Orphanet 263297, MedGen C3150754, MONDO:0013291, OMIM 613507.

Allele frequency attached by ClinVar (database versions not stated): TOPMed below 0.00001; gnomAD 0.00001; gnomAD exomes 0.00001; ExAC 0.00002.

Submission:

Labcorp Genetics (formerly Invitae), Labcorp
Classification: Uncertain significance for Polyglucosan body myopathy type 2; Glycogen storage disease XV. Last evaluated: 2022-12-02. Review status: criteria provided, single submitter. Criteria: Invitae Variant Classification Sherloc (09022015). Collection method: clinical testing. Allele origin: germline.
Comment: In summary, the available evidence is currently insufficient to determine the role of this variant in disease. Therefore, it has been classified as a Variant of Uncertain Significance. Advanced modeling of protein sequence and biophysical properties (such as structural, functional, and spatial information, amino acid conservation, physicochemical variation, residue mobility, and thermodynamic stability) performed at Invitae indicates that this missense variant is not expected to disrupt GYG1 protein function. This sequence change replaces valine, which is neutral and non-polar, with isoleucine, which is neutral and non-polar, at codon 257 of the GYG1 protein (p.Val257Ile). This variant is present in population databases (rs79395779, gnomAD 0.006%). This variant has not been reported in the literature in individuals affected with GYG1-related conditions.

NM_004130.4(GYG1):c.769G>A (p.Val257Ile)

Gene: GYG1 (glycogenin 1; plus strand). Cytogenetic location: 3q24.
Variant type: single nucleotide variant.
Coding change: c.769G>A on transcript NM_004130.4 (MANE Select); coding-DNA position 769, G replaced by A.
Protein change: p.Val257Ile; replaces valine 257 with isoleucine.
Molecular consequence: missense variant. On other transcripts: intron variant (1).
Genome position (GRCh38, 1-based): chr3:149,024,213, G>A. VCF-style: chr3-149024213-G-A. GRCh37 (hg19) VCF-style: chr3-148742000-G-A.
Other names: c.769G>A, p.Val257Ile (NM_001184720.2); c.609-2547G>A (NM_001184721.2); short protein forms V257I.
Identifiers: ClinVar variation 2200336 (VCV002200336.4), dbSNP rs79395779, ClinGen allele CA2658653.